The following is an entry in ClinVar:

ClinVar aggregate classification (germline): Conflicting classifications of pathogenicity. Review status: criteria provided, conflicting classifications (1 of 4 stars). 2 submissions from 2 submitters: Uncertain significance (1); Likely benign (1). Last evaluated 2025-12-04.

Allele frequency attached by ClinVar (database versions not stated): ESP Exome Variant Server 0.00009; ExAC 0.00011; gnomAD exomes 0.00012; TOPMed 0.00014; gnomAD 0.00015.
gnomAD v4.1: 147 of 1,160,352 alleles (0.013%); highest among the groups gnomAD compares: Admixed American, 0.013%; no homozygotes.

Submissions (2):

Ambry Genetics
Classification: Uncertain significance. Last evaluated: 2025-12-04. Review status: criteria provided, single submitter. Criteria: Ambry Variant Classification Scheme 2023. Collection method: clinical testing. Allele origin: germline.

CeGaT Center for Human Genetics Tuebingen
Classification: Likely benign. Last evaluated: 2023-04-01. Review status: criteria provided, single submitter. Criteria: CeGaT Center For Human Genetics Tuebingen Variant Classification Criteria Version 2. Collection method: clinical testing. Allele origin: germline. Affected: yes. Observed: 1 variant allele.
Comment: SRPX: BS2

NM_006307.5(SRPX):c.236C>A (p.Thr79Lys)

Gene: SRPX (sushi repeat containing protein X-linked; minus strand). Cytogenetic location: Xp11.4.
Variant type: single nucleotide variant.
Coding change: c.236C>A on transcript NM_006307.5 (MANE Select); coding-DNA position 236, C replaced by A.
Protein change: p.Thr79Lys; replaces threonine 79 with lysine.
Molecular consequence: missense variant.
Genome position (GRCh38, 1-based): chrX:38,174,273, G>T on the plus strand (C>A on the coding strand, the complement: SRPX is on the minus strand). VCF-style: chrX-38174273-G-T. GRCh37 (hg19) VCF-style: chrX-38033526-G-T.
Other names: c.176C>A, p.Thr59Lys (NM_001170750.2); c.236C>A, p.Thr79Lys (NM_001170751.2, NM_001170752.2); short protein forms T59K, T79K.
Identifiers: ClinVar variation 2592168 (VCV002592168.26), dbSNP rs369046467, ClinGen allele CA10384926.